The following is an entry in ClinVar:

ClinVar aggregate classification (germline): Uncertain significance (1 of 4 stars; one submission).

Conditions:
Polycystic kidney disease, adult type (PKD1). Also called: Polycystic Kidney, Autosomal Dominant; POLYCYSTIC KIDNEY DISEASE, ADULT, TYPE I; Polycystic Kidney Disease 1, Autosomal Dominant; Polycystic kidney disease 1; Polycystic kidney disease 1, severe; POLYCYSTIC KIDNEY DISEASE 1 WITH OR WITHOUT POLYCYSTIC LIVER DISEASE. Identifiers: MedGen C3149841, MONDO:0008263, OMIM 173900.

Submission:

3billion
Classification: Uncertain significance for Polycystic kidney disease, adult type. Last evaluated: 2026-01-26. Review status: criteria provided, single submitter. Criteria: ACMG Guidelines, 2015. Collection method: clinical testing. Allele origin: germline. Affected: yes.
Comment: The variant is not observed in the gnomAD v4.1.0 dataset. Predicted Consequence/Location: Inframe insertion located in a nonrepeat region: predicted to change the length of the protein and disrupt normal protein function. Therefore, this variant is classified as VUS according to the recommendation of ACMG/AMP guideline.

NM_001009944.3(PKD1):c.11591_11608dup (p.Leu3869_Arg3870insHisAlaAlaValThrLeu)

Genes: PKD1 (polycystin 1, transient receptor potential channel interacting; minus strand), PKD1-AS1 (PKD1 antisense RNA 1; plus strand). Cytogenetic location: 16p13.3.
Variant type: Duplication.
Coding change: c.11591_11608dup on transcript NM_001009944.3 (MANE Select); coding-DNA positions 11591 to 11608, 18 bases duplicated (ACGCCGCCGTCACGCTGC).
Protein change: p.Leu3869_Arg3870insHisAlaAlaValThrLeu.
Molecular consequence: inframe insertion. On other transcripts: non-coding transcript variant (1).
Genome position (GRCh38, 1-based): chr16:2,091,527-2,091,544, GCAGCGTGACGGCGGCGT duplicated on the plus strand (ACGCCGCCGTCACGCTGC on the coding strand, the reverse complement: PKD1 is on the minus strand); duplicating any 18 consecutive bases within chr16:2,091,527-2,091,549 gives the same sequence; the c. name uses the placement nearest the transcript's 3' end. VCF-style (leftmost placement, unchanged base first): chr16-2091526-C-CGCAGCGTGACGGCGGCGT. GRCh37 (hg19) VCF-style: chr16-2141527-C-CGCAGCGTGACGGCGGCGT.
Other names: c.11588_11605dup, p.Leu3868_Arg3869insHisAlaAlaValThrLeu (NM_000296.4).
Identifiers: ClinVar variation 4855836 (VCV004855836.1).